The following is an entry in ClinVar:

NM_001128148.3(TFRC):c.1970C>T (p.Thr657Ile)

Gene: TFRC (transferrin receptor; minus strand). Cytogenetic location: 3q29.
Variant type: single nucleotide variant.
Coding change: c.1970C>T on transcript NM_001128148.3 (MANE Select); coding-DNA position 1970, C replaced by T.
Protein change: p.Thr657Ile; replaces threonine 657 with isoleucine.
Molecular consequence: missense variant.
Genome position (GRCh38, 1-based): chr3:196,053,488, G>A on the plus strand (C>T on the coding strand, the complement: TFRC is on the minus strand). VCF-style: chr3-196053488-G-A. GRCh37 (hg19) VCF-style: chr3-195780359-G-A.
Other names: c.1727C>T, p.Thr576Ile (NM_001313965.2); c.1124C>T, p.Thr375Ile (NM_001313966.2); c.1970C>T, p.Thr657Ile (NM_003234.4); short protein forms T576I, T375I, T657I.
Identifiers: ClinVar variation 3638706 (VCV003638706.2).

ClinVar aggregate classification (germline): Uncertain significance (1 of 4 stars; one submission).

gnomAD v4.1: 1 of 1,614,178 alleles (0.000062%); highest among the groups gnomAD compares: Non-Finnish European, 0.000085%; no homozygotes.

Submission:

Labcorp Genetics (formerly Invitae), Labcorp
Classification: Uncertain significance. Last evaluated: 2024-02-03. Review status: criteria provided, single submitter. Criteria: Invitae Variant Classification Sherloc (09022015). Collection method: clinical testing. Allele origin: germline.
Comment: This sequence change replaces threonine, which is neutral and polar, with isoleucine, which is neutral and non-polar, at codon 657 of the TFRC protein (p.Thr657Ile). This variant is not present in population databases (gnomAD no frequency). This variant has not been reported in the literature in individuals affected with TFRC-related conditions. Advanced modeling of protein sequence and biophysical properties (such as structural, functional, and spatial information, amino acid conservation, physicochemical variation, residue mobility, and thermodynamic stability) performed at Invitae indicates that this missense variant is not expected to disrupt TFRC protein function with a negative predictive value of 80%. In summary, the available evidence is currently insufficient to determine the role of this variant in disease. Therefore, it has been classified as a Variant of Uncertain Significance.